The following is an entry in ClinVar:

ClinVar aggregate classification (germline): Likely benign (1 of 4 stars; one submission).

gnomAD v4.1: 177 of 1,613,516 alleles (0.011%); highest among the groups gnomAD compares: Admixed American, 0.037%; 2 homozygotes.

Submission:

CeGaT Center for Human Genetics Tuebingen
Classification: Likely benign. Last evaluated: 2026-05-01. Review status: criteria provided, single submitter. Criteria: CeGaT Center For Human Genetics Tuebingen Variant Classification Criteria Version 2. Collection method: clinical testing. Allele origin: germline. Affected: yes. Observed: 1 variant allele.
Comment: KCNC2: BP4, BP7

NM_139137.4(KCNC2):c.1320T>C (p.Tyr440=)

Gene: KCNC2 (potassium voltage-gated channel subfamily C member 2; minus strand). Cytogenetic location: 12q21.1.
Variant type: single nucleotide variant.
Coding change: c.1320T>C on transcript NM_139137.4 (MANE Select); coding-DNA position 1320, T replaced by C.
Protein change: p.Tyr440=; no amino-acid change (tyrosine 440 retained).
Molecular consequence: synonymous variant. On other transcripts: non-coding transcript variant (1).
Genome position (GRCh38, 1-based): chr12:75,050,685, A>G on the plus strand (T>C on the coding strand, the complement: KCNC2 is on the minus strand). VCF-style: chr12-75050685-A-G. GRCh37 (hg19) VCF-style: chr12-75444465-A-G.
Other names: c.1320T>C, p.Tyr440= (NM_001260497.2, NM_001260498.2, NM_001260499.2 and 13 more transcripts).
Identifiers: ClinVar variation 4872342 (VCV004872342.2).